The following is an entry in ClinVar:

ClinVar aggregate classification (germline): Uncertain significance. Review status: criteria provided, multiple submitters, no conflicts (2 of 4 stars). 2 submissions from 2 submitters: Uncertain significance (2). Last evaluated 2024-05-31.

Conditions:
Epilepsy, progressive myoclonic, 1B. Also called: PME. Identifiers: Orphanet 308, MedGen C2676254, MONDO:0012904, OMIM 612437.

Allele frequency attached by ClinVar (database versions not stated): gnomAD 0.00001; gnomAD exomes 0.00001; TOPMed 0.00001.
gnomAD v4.1: 5 of 1,614,086 alleles (0.00031%); highest among the groups gnomAD compares: Admixed American, 0.0067%; no homozygotes.

Submissions (2):

Labcorp Genetics (formerly Invitae), Labcorp
Classification: Uncertain significance for Epilepsy, progressive myoclonic, 1B. Last evaluated: 2024-05-31. Review status: criteria provided, single submitter. Criteria: Invitae Variant Classification Sherloc (09022015). Collection method: clinical testing. Allele origin: germline.
Comment: This sequence change replaces lysine, which is basic and polar, with asparagine, which is neutral and polar, at codon 233 of the PRICKLE1 protein (p.Lys233Asn). This variant is present in population databases (no rsID available, gnomAD 0.009%). This variant has not been reported in the literature in individuals affected with PRICKLE1-related conditions. ClinVar contains an entry for this variant (Variation ID: 588178). Advanced modeling of protein sequence and biophysical properties (such as structural, functional, and spatial information, amino acid conservation, physicochemical variation, residue mobility, and thermodynamic stability) performed at Invitae indicates that this missense variant is expected to disrupt PRICKLE1 protein function with a positive predictive value of 80%. In summary, the available evidence is currently insufficient to determine the role of this variant in disease. Therefore, it has been classified as a Variant of Uncertain Significance.

Ambry Genetics
Classification: Uncertain significance. Last evaluated: 2020-03-16. Review status: criteria provided, single submitter. Criteria: Ambry Variant Classification Scheme 2023. Collection method: clinical testing. Allele origin: germline.
Comment: The p.K233N variant (also known as c.699G>T), located in coding exon 5 of the PRICKLE1 gene, results from a G to T substitution at nucleotide position 699. The lysine at codon 233 is replaced by asparagine, an amino acid with similar properties. This amino acid position is highly conserved in available vertebrate species. In addition, the in silico prediction for this alteration is inconclusive. Since supporting evidence is limited at this time, the clinical significance of this alteration remains unclear.

NM_153026.3(PRICKLE1):c.699G>T (p.Lys233Asn)

Gene: PRICKLE1 (prickle planar cell polarity protein 1; minus strand). Cytogenetic location: 12q12.
Variant type: single nucleotide variant.
Coding change: c.699G>T on transcript NM_153026.3 (MANE Select); coding-DNA position 699, G replaced by T.
Protein change: p.Lys233Asn; replaces lysine 233 with asparagine.
Molecular consequence: missense variant.
Genome position (GRCh38, 1-based): chr12:42,466,270, C>A on the plus strand (G>T on the coding strand, the complement: PRICKLE1 is on the minus strand). VCF-style: chr12-42466270-C-A. GRCh37 (hg19) VCF-style: chr12-42860072-C-A.
Other names: c.699G>T, p.Lys233Asn (NM_001144881.2, NM_001144882.2, NM_001144883.2); short protein forms K233N.
Identifiers: ClinVar variation 588178 (VCV000588178.13), dbSNP rs1443820017, ClinGen allele CA384443372.